The following is an entry in ClinVar:

NM_003542.4(H4C3):c.23G>C (p.Gly8Ala)

Gene: H4C3 (H4 clustered histone 3; plus strand). Cytogenetic location: 6p22.2.
Variant type: single nucleotide variant.
Coding change: c.23G>C on transcript NM_003542.4 (MANE Select); coding-DNA position 23, G replaced by C.
Protein change: p.Gly8Ala; replaces glycine 8 with alanine.
Molecular consequence: missense variant.
Genome position (GRCh38, 1-based): chr6:26,103,970, G>C. VCF-style: chr6-26103970-G-C. GRCh37 (hg19) VCF-style: chr6-26104198-G-C.
Other names: short protein forms G8A.
Identifiers: ClinVar variation 2656296 (VCV002656296.24), dbSNP rs1763191170, ClinGen allele CA363180653.

ClinVar aggregate classification (germline): Uncertain significance (1 of 4 stars; one submission).

Submission:

CeGaT Center for Human Genetics Tuebingen
Classification: Uncertain significance. Last evaluated: 2022-07-01. Review status: criteria provided, single submitter. Criteria: CeGaT Center For Human Genetics Tuebingen Variant Classification Criteria Version 2. Collection method: clinical testing. Allele origin: germline. Affected: yes. Observed: 1 variant allele.
Comment: H4C3: PM2, PS2:Supporting